The following is an entry in ClinVar:

NM_012233.3(RAB3GAP1):c.72_73del (p.Arg25fs)

Gene: RAB3GAP1 (RAB3 GTPase activating protein catalytic subunit 1; plus strand). Cytogenetic location: 2q21.3.
Variant type: Deletion.
Coding change: c.72_73del on transcript NM_012233.3 (MANE Select); coding-DNA positions 72 to 73, 2 bases deleted (AA; older notation c.72_73delAA).
Protein change: p.Arg25fs; shifts the reading frame from arginine 25.
Molecular consequence: frameshift variant.
Genome position (GRCh38, 1-based): chr2:135,052,483-135,052,484, AA deleted; deleting any 2 consecutive bases within chr2:135,052,482-135,052,484 gives the same sequence; the c. name uses the placement nearest the transcript's 3' end. VCF-style (leftmost placement, unchanged base first): chr2-135052481-GAA-G. GRCh37 (hg19) VCF-style: chr2-135810051-GAA-G.
Other names: c.72_73del, p.Arg25fs (NM_001172435.2); short protein forms R25fs.
Identifiers: ClinVar variation 1802019 (VCV001802019.1), dbSNP rs2468046869, ClinGen allele CA2580063811.
Genomic context (GRCh38, chr2:135,052,481, plus strand): 5'-TTCCCGCAGCCCGAATCCGAGGTATTTGAGATCACGGACTTCACCACTGCCTCGGAATGG[GAA>G]AGGTGAGTGAATCGCATTTTTGGTTACCAGCTCCCATGGGCCCTGGCGTCCCCTAGCCGC-3'

ClinVar aggregate classification (germline): Pathogenic (1 of 4 stars; one submission).

Submission:

GeneDx
Classification: Pathogenic. Last evaluated: 2022-06-03. Review status: criteria provided, single submitter. Criteria: GeneDx Variant Classification Process June 2021. Collection method: clinical testing. Allele origin: germline. Affected: yes.
Comment: Frameshift variant predicted to result in protein truncation or nonsense mediated decay in a gene for which loss of function is a known mechanism of disease; Not observed at significant frequency in large population cohorts (gnomAD); Has not been previously published as pathogenic or benign to our knowledge